The following is an entry in ClinVar:

NM_000051.4(ATM):c.1780G>A (p.Glu594Lys)

Gene: ATM (ATM serine/threonine kinase; plus strand). Cytogenetic location: 11q22.3.
Variant type: single nucleotide variant.
Coding change: c.1780G>A on transcript NM_000051.4 (MANE Select); coding-DNA position 1780, G replaced by A.
Protein change: p.Glu594Lys; replaces glutamic acid 594 with lysine.
Molecular consequence: missense variant.
Genome position (GRCh38, 1-based): chr11:108,252,009, G>A. VCF-style: chr11-108252009-G-A. GRCh37 (hg19) VCF-style: chr11-108122736-G-A.
Other names: c.1780G>A, p.Glu594Lys (NM_001351834.2); short protein forms E594K.
Identifiers: ClinVar variation 2562585 (VCV002562585.2), dbSNP rs2080178937, ClinGen allele CA382535502.

ClinVar aggregate classification (germline): Uncertain significance (1 of 4 stars; one submission).

Conditions:
Hereditary cancer-predisposing syndrome. Also called: Neoplastic Syndromes, Hereditary; Hereditary Cancer Syndrome; Hereditary neoplastic syndrome; Tumor predisposition. Identifiers: Orphanet 140162, MedGen C0027672, MeSH D009386, MONDO:0015356.

Submission:

Ambry Genetics
Classification: Uncertain significance for Hereditary cancer-predisposing syndrome. Last evaluated: 2023-05-28. Review status: criteria provided, single submitter. Criteria: Ambry Variant Classification Scheme 2023. Collection method: clinical testing. Allele origin: germline.
Comment: The p.E594K variant (also known as c.1780G>A), located in coding exon 10 of the ATM gene, results from a G to A substitution at nucleotide position 1780. The glutamic acid at codon 594 is replaced by lysine, an amino acid with similar properties. This amino acid position is conserved. In addition, this alteration is predicted to be tolerated by in silico analysis. Since supporting evidence is limited at this time, the clinical significance of this alteration remains unclear.